The following is an entry in ClinVar:

NM_005687.5(FARSB):c.14G>T (p.Ser5Ile)

Gene: FARSB (phenylalanyl-tRNA synthetase subunit beta; minus strand). Cytogenetic location: 2q36.1.
Variant type: single nucleotide variant.
Coding change: c.14G>T on transcript NM_005687.5 (MANE Select); coding-DNA position 14, G replaced by T.
Protein change: p.Ser5Ile; replaces serine 5 with isoleucine.
Molecular consequence: missense variant. On other transcripts: non-coding transcript variant (1).
Genome position (GRCh38, 1-based): chr2:222,656,060, C>A on the plus strand (G>T on the coding strand, the complement: FARSB is on the minus strand). VCF-style: chr2-222656060-C-A. GRCh37 (hg19) VCF-style: chr2-223520779-C-A.
Other names: short protein forms S5I.
Identifiers: ClinVar variation 2128230 (VCV002128230.4), dbSNP rs1692168556, ClinGen allele CA350822397.

ClinVar aggregate classification (germline): Uncertain significance (1 of 4 stars; one submission).

Allele frequency attached by ClinVar (database versions not stated): gnomAD 0.00001; TOPMed 0.00001.
gnomAD v4.1: 1 of 1,596,572 alleles (0.000063%); highest among the groups gnomAD compares: Non-Finnish European, 0.000085%; no homozygotes.

Submission:

Labcorp Genetics (formerly Invitae), Labcorp
Classification: Uncertain significance. Last evaluated: 2022-06-12. Review status: criteria provided, single submitter. Criteria: Invitae Variant Classification Sherloc (09022015). Collection method: clinical testing. Allele origin: germline.
Comment: This variant is not present in population databases (gnomAD no frequency). In summary, the available evidence is currently insufficient to determine the role of this variant in disease. Therefore, it has been classified as a Variant of Uncertain Significance. Algorithms developed to predict the effect of missense changes on protein structure and function (SIFT, PolyPhen-2, Align-GVGD) all suggest that this variant is likely to be disruptive. This variant has not been reported in the literature in individuals affected with FARSB-related conditions. This sequence change replaces serine, which is neutral and polar, with isoleucine, which is neutral and non-polar, at codon 5 of the FARSB protein (p.Ser5Ile).